The following is an entry in ClinVar:

ClinVar aggregate classification (germline): Conflicting classifications of pathogenicity. Review status: criteria provided, conflicting classifications (1 of 4 stars). 7 submissions from 7 submitters: Uncertain significance (6); Likely benign (1). Last evaluated 2026-07-01.

Conditions:
Inborn genetic diseases. Identifiers: MedGen C0950123, MeSH D030342.
LAMA2-related muscular dystrophy (LAMA2-RD). Also called: Laminin alpha 2-related dystrophy. Identifiers: MedGen C5679788, MONDO:0100228.

Allele frequency attached by ClinVar (database versions not stated): gnomAD exomes 0.00004; gnomAD 0.00009; TOPMed 0.00010; ExAC 0.00004.
gnomAD v4.1: 34 of 1,603,170 alleles (0.0021%); highest among the groups gnomAD compares: African/African-American, 0.04%; no homozygotes.

Submissions (7):

CeGaT Center for Human Genetics Tuebingen
Classification: Uncertain significance. Last evaluated: 2026-07-01. Review status: criteria provided, single submitter. Criteria: CeGaT Center For Human Genetics Tuebingen Variant Classification Criteria Version 2. Collection method: clinical testing. Allele origin: germline. Affected: yes. Observed: 1 variant allele.
Comment: LAMA2: PM2, PM3:Supporting, BP4

Labcorp Genetics (formerly Invitae), Labcorp
Classification: Likely benign for LAMA2-related muscular dystrophy. Last evaluated: 2026-01-03. Review status: criteria provided, single submitter. Criteria: Invitae Variant Classification Sherloc (09022015). Collection method: clinical testing. Allele origin: germline.

Ambry Genetics
Classification: Uncertain significance for Inborn genetic diseases. Last evaluated: 2025-02-01. Review status: criteria provided, single submitter. Criteria: Ambry Variant Classification Scheme 2023. Collection method: clinical testing. Allele origin: germline.

GeneDx
Classification: Uncertain significance. Last evaluated: 2023-12-22. Review status: criteria provided, single submitter. Criteria: GeneDx Variant Classification Process June 2021. Collection method: clinical testing. Allele origin: germline.
Comment: In silico analysis supports that this missense variant has a deleterious effect on protein structure/function; Has not been previously published as pathogenic or benign to our knowledge

Revvity Omics, Revvity
Classification: Uncertain significance. Last evaluated: 2021-06-01. Review status: criteria provided, single submitter. Criteria: ACMG Guidelines, 2015. Collection method: clinical testing. Allele origin: germline.

Mayo Clinic Laboratories, Mayo Clinic
Classification: Uncertain significance. Last evaluated: 2021-05-04. Review status: criteria provided, single submitter. Criteria: ACMG Guidelines, 2015. Collection method: clinical testing. Allele origin: germline.

Eurofins Ntd Llc (ga)
Classification: Uncertain significance. Last evaluated: 2016-12-20. Review status: criteria provided, single submitter. Criteria: EGL Classification Definitions 2015. Collection method: clinical testing. Allele origin: germline. Observed: 1 variant allele, 1 heterozygote.

NM_000426.4(LAMA2):c.4166T>C (p.Leu1389Pro)

Gene: LAMA2 (laminin subunit alpha 2; plus strand). Cytogenetic location: 6q22.33.
Variant type: single nucleotide variant.
Coding change: c.4166T>C on transcript NM_000426.4 (MANE Select); coding-DNA position 4166, T replaced by C.
Protein change: p.Leu1389Pro; replaces leucine 1389 with proline.
Molecular consequence: missense variant.
Genome position (GRCh38, 1-based): chr6:129,320,645, T>C. VCF-style: chr6-129320645-T-C. GRCh37 (hg19) VCF-style: chr6-129641790-T-C.
Other names: p.Leu1389Pro; c.4166T>C, p.Leu1389Pro (NM_001079823.2); short protein forms L1389P.
Identifiers: ClinVar variation 499180 (VCV000499180.24), dbSNP rs752934825, ClinGen allele CA3993457.